The following is an entry in ClinVar:

NM_177438.3(DICER1):c.4050+36A>G

Gene: DICER1 (dicer 1, ribonuclease III; minus strand). Cytogenetic location: 14q32.13.
Variant type: single nucleotide variant.
Coding change: c.4050+36A>G on transcript NM_177438.3 (MANE Select); 36 bases into the intron after coding-DNA position 4050, A replaced by G.
Molecular consequence: intron variant.
Genome position (GRCh38, 1-based): chr14:95,103,310, T>C on the plus strand (A>G on the coding strand, the complement: DICER1 is on the minus strand). VCF-style: chr14-95103310-T-C. GRCh37 (hg19) VCF-style: chr14-95569647-T-C.
Other names: c.4050+36A>G (NM_001291628.2, NM_030621.4, NM_001395677.1 and 12 more transcripts); c.3645+36A>G (NM_001395690.1, NM_001395687.1, NM_001395689.1 and 2 more transcripts); c.3768+36A>G (NM_001395686.1); c.3483+36A>G (NM_001395691.1); c.2367+36A>G (NM_001395697.1).
Identifiers: ClinVar variation 3765300 (VCV003765300.1).
Genomic context (GRCh38, chr14:95,103,310, plus strand): 5'-TGATACGTTCTCATCCTCTGAGATTATCCAACACTGCAAACCACTTTCAGGCACACTGAA[T>C]AATTAACTGCTCAAAATAAAAAAATCATCTCTTACCTTTTTGCTTCTCATATATGAAAGG-3'

ClinVar aggregate classification (germline): Likely benign (1 of 4 stars; one submission).

gnomAD v4.1: 37 of 1,602,850 alleles (0.0023%); highest among the groups gnomAD compares: Non-Finnish European, 0.0031%; no homozygotes.

Submission:

Center for Genomic Medicine, Rigshospitalet, Copenhagen University Hospital
Classification: Likely benign. Last evaluated: 2025-03-04. Review status: criteria provided, single submitter. Criteria: ACMG Guidelines, 2015. Collection method: clinical testing. Allele origin: germline.
Comment: Classification criteria: BP7, BP4